The following is an entry in ClinVar:

ClinVar aggregate classification (germline): Uncertain significance. Review status: criteria provided, multiple submitters, no conflicts (2 of 4 stars). 2 submissions from 2 submitters: Uncertain significance (2). Last evaluated 2025-06-30.

Conditions:
Hereditary cancer-predisposing syndrome. Also called: Hereditary neoplastic syndrome; Neoplastic Syndromes, Hereditary; Hereditary Cancer Syndrome; Tumor predisposition. Identifiers: Orphanet 140162, MedGen C0027672, MeSH D009386, MONDO:0015356.
Ataxia-telangiectasia syndrome (AT). Also called: Ataxia-telangiectasia, complementation group D; Ataxia telangiectasia (A-T); Cerebello-oculocutaneous telangiectasia; Immunodeficiency with ataxia telangiectasia; ATAXIA-TELANGIECTASIA, COMPLEMENTATION GROUP A; ATAXIA-TELANGIECTASIA, FRESNO VARIANT. Identifiers: Orphanet 100, MedGen C0004135, MONDO:0008840, OMIM 208900.

Submissions (2):

Labcorp Genetics (formerly Invitae), Labcorp
Classification: Uncertain significance for Ataxia-telangiectasia syndrome. Last evaluated: 2025-06-30. Review status: criteria provided, single submitter. Criteria: Invitae Variant Classification Sherloc (09022015). Collection method: clinical testing. Allele origin: germline.
Comment: This sequence change replaces lysine, which is basic and polar, with arginine, which is basic and polar, at codon 1920 of the ATM protein (p.Lys1920Arg). This variant is not present in population databases (gnomAD no frequency). This variant has not been reported in the literature in individuals affected with ATM-related conditions. ClinVar contains an entry for this variant (Variation ID: 1393716). Invitae Evidence Modeling of protein sequence and biophysical properties (such as structural, functional, and spatial information, amino acid conservation, physicochemical variation, residue mobility, and thermodynamic stability) indicates that this missense variant is not expected to disrupt ATM protein function with a negative predictive value of 95%. In summary, the available evidence is currently insufficient to determine the role of this variant in disease. Therefore, it has been classified as a Variant of Uncertain Significance.

Ambry Genetics
Classification: Uncertain significance for Hereditary cancer-predisposing syndrome. Last evaluated: 2025-01-13. Review status: criteria provided, single submitter. Criteria: Ambry Variant Classification Scheme 2023. Collection method: clinical testing. Allele origin: germline.
Comment: The p.K1920R variant (also known as c.5759A>G), located in coding exon 37 of the ATM gene, results from an A to G substitution at nucleotide position 5759. The lysine at codon 1920 is replaced by arginine, an amino acid with highly similar properties. This amino acid position is conserved. In addition, this alteration is predicted to be tolerated by in silico analysis. Based on the available evidence, the clinical significance of this variant remains unclear.

NM_000051.4(ATM):c.5759A>G (p.Lys1920Arg)

Gene: ATM (ATM serine/threonine kinase; plus strand). Cytogenetic location: 11q22.3.
Variant type: single nucleotide variant.
Coding change: c.5759A>G on transcript NM_000051.4 (MANE Select); coding-DNA position 5759, A replaced by G.
Protein change: p.Lys1920Arg; replaces lysine 1920 with arginine.
Molecular consequence: missense variant.
Genome position (GRCh38, 1-based): chr11:108,307,981, A>G. VCF-style: chr11-108307981-A-G. GRCh37 (hg19) VCF-style: chr11-108178708-A-G.
Other names: c.5759A>G, p.Lys1920Arg (NM_001351834.2); c.5759A>G (NM_000051.3); short protein forms K1920R.
Identifiers: ClinVar variation 1393716 (VCV001393716.7), dbSNP rs2135978116, ClinGen allele CA382548021.
Genomic context (GRCh38, chr11:108,307,981, plus strand): 5'-GTTTGGATAAAAAATCACAAAGAACAATGCTTGCTGTTGTGGACTACATGAGAAGACAAA[A>G]GAGGTAATGTAATGAGTGTTGCTTCTTACGTTTAGGATCTAGAGTGTAACTTGTTAACTA-3'
Protein context (NP_000042.3, residues 1910-1930): LAVVDYMRRQ[Lys1920Arg]RPSSGTIFND